The following is an entry in ClinVar:

NM_194248.3(OTOF):c.4783G>A (p.Ala1595Thr)

Gene: OTOF (otoferlin; minus strand). Cytogenetic location: 2p23.3.
Variant type: single nucleotide variant.
Coding change: c.4783G>A on transcript NM_194248.3 (MANE Select); coding-DNA position 4783, G replaced by A.
Protein change: p.Ala1595Thr; replaces alanine 1595 with threonine.
Molecular consequence: missense variant.
Genome position (GRCh38, 1-based): chr2:26,465,688, C>T on the plus strand (G>A on the coding strand, the complement: OTOF is on the minus strand). VCF-style: chr2-26465688-C-T. GRCh37 (hg19) VCF-style: chr2-26688556-C-T.
Other names: c.4783G>A, p.Ala1595Thr (NM_001287489.2); c.2482G>A, p.Ala828Thr (NM_004802.4, NM_194323.3); c.2713G>A, p.Ala905Thr (NM_194322.3); short protein forms A1595T, A905T, A828T.
Identifiers: ClinVar variation 517344 (VCV000517344.10), dbSNP rs772763082, ClinGen allele CA1563046.
Genomic context (GRCh38, chr2:26,465,688, plus strand): 5'-AAGCAGGCACACTGCCCCCGCCCTCTGCCCCATGCCCCACATACGTGGAGTAGGTCTGGG[C>T]GATGCCGCAGGTGGCGCGGTGCTTGCTGTAGAAGCGGTTCTCCAGGTCGATCTTGGTTTC-3'
Protein context (NP_919224.1, residues 1585-1605): YSKHRATCGI[Ala1595Thr]QTYSTHGYNI

ClinVar aggregate classification (germline): Conflicting classifications of pathogenicity. Review status: criteria provided, conflicting classifications (1 of 4 stars). 4 submissions from 4 submitters: Uncertain significance (3); Likely benign (1). Last evaluated 2024-12-17.

Conditions:
Inborn genetic diseases. Identifiers: MedGen C0950123, MeSH D030342.

Allele frequency attached by ClinVar (database versions not stated): TOPMed 0.00001; gnomAD 0.00003.
gnomAD v4.1: 54 of 1,614,260 alleles (0.0033%); highest among the groups gnomAD compares: Middle Eastern, 0.049%; no homozygotes.

Submissions (4):

GeneDx
Classification: Uncertain significance. Last evaluated: 2024-12-17. Review status: criteria provided, single submitter. Criteria: GeneDx Variant Classification Process June 2021. Collection method: clinical testing. Allele origin: germline. Affected: yes.
Comment: Not observed at significant frequency in large population cohorts (gnomAD); In silico analysis indicates that this missense variant does not alter protein structure/function; Has not been previously published as pathogenic or benign to our knowledge

Ambry Genetics
Classification: Uncertain significance for Inborn genetic diseases. Last evaluated: 2023-03-20. Review status: criteria provided, single submitter. Criteria: Ambry Variant Classification Scheme 2023. Collection method: clinical testing. Allele origin: germline.

Labcorp Genetics (formerly Invitae), Labcorp
Classification: Uncertain significance. Last evaluated: 2022-02-10. Review status: criteria provided, single submitter. Criteria: Invitae Variant Classification Sherloc (09022015). Collection method: clinical testing. Allele origin: germline.
Comment: This sequence change replaces alanine, which is neutral and non-polar, with threonine, which is neutral and polar, at codon 1595 of the OTOF protein (p.Ala1595Thr). This variant is present in population databases (rs772763082, gnomAD 0.005%). This variant has not been reported in the literature in individuals affected with OTOF-related conditions. ClinVar contains an entry for this variant (Variation ID: 517344). Algorithms developed to predict the effect of missense changes on protein structure and function output the following: SIFT: "Tolerated"; PolyPhen-2: "Benign"; Align-GVGD: "Class C0". The threonine amino acid residue is found in multiple mammalian species, which suggests that this missense change does not adversely affect protein function. In summary, the available evidence is currently insufficient to determine the role of this variant in disease. Therefore, it has been classified as a Variant of Uncertain Significance.

Laboratory for Molecular Medicine, Mass General Brigham Personalized Medicine
Classification: Likely benign. Last evaluated: 2017-04-03. Review status: criteria provided, single submitter. Criteria: LMM Criteria. Collection method: clinical testing. Allele origin: germline. Observed: 1 variant allele.
Comment: p.Ala1595Thr in exon 38 of OTOF: This variant is not expected to have clinical s ignificance due to a lack of conservation across species, including mammals. Of note, four mammals (bushbaby, black flying fox, megabat, and tenrec) have a thre onine (Thr) at this position despite high nearby amino acid conservation. In add ition, computational prediction tools do not suggest a high likelihood of impact to the protein. It has also been identified in 1/8652 East Asian chromosomes by the Exome Aggregation Consortium (ExAC; dbSNP r s772763082).